The following is an entry in ClinVar:

ClinVar aggregate classification (germline): Uncertain significance. Review status: criteria provided, multiple submitters, no conflicts (2 of 4 stars). 2 submissions from 2 submitters: Uncertain significance (2). Last evaluated 2024-03-27.

Conditions:
Intellectual developmental disorder, autosomal dominant 1. Also called: Intellectual disability, autosomal dominant 1; MBD5 Haploinsufficiency. Identifiers: Orphanet 228402, MedGen C1969562, MONDO:0007974, OMIM 156200.
Inborn genetic diseases. Identifiers: MedGen C0950123, MeSH D030342.

gnomAD v4.1: 34 of 1,613,910 alleles (0.0021%); highest among the groups gnomAD compares: Non-Finnish European, 0.0029%; no homozygotes.

Submissions (2):

Labcorp Genetics (formerly Invitae), Labcorp
Classification: Uncertain significance for Intellectual developmental disorder, autosomal dominant 1. Last evaluated: 2024-03-27. Review status: criteria provided, single submitter. Criteria: Invitae Variant Classification Sherloc (09022015). Collection method: clinical testing. Allele origin: germline.
Comment: This sequence change replaces proline, which is neutral and non-polar, with threonine, which is neutral and polar, at codon 313 of the MBD5 protein (p.Pro313Thr). This variant is not present in population databases (gnomAD no frequency). This variant has not been reported in the literature in individuals affected with MBD5-related conditions. ClinVar contains an entry for this variant (Variation ID: 1766731). Advanced modeling of protein sequence and biophysical properties (such as structural, functional, and spatial information, amino acid conservation, physicochemical variation, residue mobility, and thermodynamic stability) performed at Invitae indicates that this missense variant is not expected to disrupt MBD5 protein function with a negative predictive value of 80%. In summary, the available evidence is currently insufficient to determine the role of this variant in disease. Therefore, it has been classified as a Variant of Uncertain Significance.

Ambry Genetics
Classification: Uncertain significance for Inborn genetic diseases. Last evaluated: 2018-05-02. Review status: criteria provided, single submitter. Criteria: Ambry Variant Classification Scheme 2023. Collection method: clinical testing. Allele origin: germline.
Comment: The p.P313T variant (also known as c.937C>A), located in coding exon 4 of the MBD5 gene, results from a C to A substitution at nucleotide position 937. The proline at codon 313 is replaced by threonine, an amino acid with highly similar properties. This amino acid position is well conserved in available vertebrate species. In addition, this alteration is predicted to be tolerated by in silico analysis. Since supporting evidence is limited at this time, the clinical significance of this alteration remains unclear.

NM_001378120.1(MBD5):c.937C>A (p.Pro313Thr)

Gene: MBD5 (methyl-CpG binding domain protein 5; plus strand). Cytogenetic location: 2q23.1.
Variant type: single nucleotide variant.
Coding change: c.937C>A on transcript NM_001378120.1 (MANE Select); coding-DNA position 937, C replaced by A.
Protein change: p.Pro313Thr; replaces proline 313 with threonine.
Molecular consequence: missense variant.
Genome position (GRCh38, 1-based): chr2:148,468,880, C>A. VCF-style: chr2-148468880-C-A. GRCh37 (hg19) VCF-style: chr2-149226449-C-A.
Other names: c.937C>A, p.Pro313Thr (NM_018328.5); short protein forms P313T.
Identifiers: ClinVar variation 1766731 (VCV001766731.5), dbSNP rs747498211, ClinGen allele CA348718030.